The following is an entry in ClinVar:

ClinVar aggregate classification (germline): Uncertain significance (1 of 4 stars; one submission).

Conditions:
Cardiovascular phenotype. Identifiers: MedGen CN230736.

Submission:

Ambry Genetics
Classification: Uncertain significance for Cardiovascular phenotype. Last evaluated: 2025-05-30. Review status: criteria provided, single submitter. Criteria: Ambry Variant Classification Scheme 2023. Collection method: clinical testing. Allele origin: germline.
Comment: The p.E189Q variant (also known as c.565G>C), located in coding exon 5 of the EFEMP2 gene, results from a G to C substitution at nucleotide position 565. The glutamic acid at codon 189 is replaced by glutamine, an amino acid with highly similar properties. This amino acid position is conserved. In addition, the in silico prediction for this alteration is inconclusive. Based on the available evidence, the clinical significance of this variant remains unclear.

NM_016938.5(EFEMP2):c.565G>C (p.Glu189Gln)

Gene: EFEMP2 (EGF containing fibulin extracellular matrix protein 2; minus strand). Cytogenetic location: 11q13.1.
Variant type: single nucleotide variant.
Coding change: c.565G>C on transcript NM_016938.5 (MANE Select); coding-DNA position 565, G replaced by C.
Protein change: p.Glu189Gln; replaces glutamic acid 189 with glutamine.
Molecular consequence: missense variant. On other transcripts: non-coding transcript variant (1).
Genome position (GRCh38, 1-based): chr11:65,870,163, C>G on the plus strand (G>C on the coding strand, the complement: EFEMP2 is on the minus strand). VCF-style: chr11-65870163-C-G. GRCh37 (hg19) VCF-style: chr11-65637634-C-G.
Other names: short protein forms E189Q.
Identifiers: ClinVar variation 4016520 (VCV004016520.1).